The following is an entry in ClinVar:

ClinVar aggregate classification (germline): Uncertain significance (1 of 4 stars; one submission).

Conditions:
Autosomal dominant nonsyndromic hearing loss 2A. Also called: DFNA2 Nonsyndromic Hearing Loss; Deafness, autosomal dominant 2A; Autosomal dominant nonsyndromic deafness 2A. Identifiers: Orphanet 90635, MedGen C2677637, MONDO:0010817, OMIM 600101.

gnomAD v4.1: 4 of 1,607,800 alleles (0.00025%); highest among the groups gnomAD compares: Non-Finnish European, 0.00034%; no homozygotes.

Submission:

Neuberg Centre For Genomic Medicine, NCGM
Classification: Uncertain significance for Autosomal dominant nonsyndromic hearing loss 2A. Review status: criteria provided, single submitter. Criteria: ACMG Guidelines, 2015. Collection method: clinical testing. Allele origin: germline. Inheritance: Autosomal dominant inheritance. Affected: yes.
Comment: The stop gained variant in c.232A>T (p.Lys78Ter) in KCNQ4 gene has not been reported previously as a pathogenic variant nor as a benign variant, to our knowledge. The nucleotide change in KCNQ4 is predicted as conserved by GERP++ and PhyloP across 100 vertebrates. The variant is novel (not in any individuals) in gnomAD Exomes and 1000 Genomes. For these reasons, this variant has been classified as Uncertain Significance .

NM_004700.4(KCNQ4):c.232A>T (p.Lys78Ter)

Gene: KCNQ4 (potassium voltage-gated channel subfamily Q member 4; plus strand). Cytogenetic location: 1p34.2.
Variant type: single nucleotide variant.
Coding change: c.232A>T on transcript NM_004700.4 (MANE Select); coding-DNA position 232, A replaced by T.
Protein change: p.Lys78Ter; replaces lysine 78 with a stop codon.
Molecular consequence: nonsense.
Genome position (GRCh38, 1-based): chr1:40,784,325, A>T. VCF-style: chr1-40784325-A-T. GRCh37 (hg19) VCF-style: chr1-41249997-A-T.
Other names: c.232A>T, p.Lys78Ter (NM_172163.3); short protein forms K78*.
Identifiers: ClinVar variation 2585201 (VCV002585201.1), dbSNP rs1647182713, ClinGen allele CA339885314.
Genomic context (GRCh38, chr1:40,784,325, plus strand): 5'-CTCCCTGGGCCGGGCTCCGGCTCGGGCTCCGCCTGCGGCCAGCGCTCCTCGGCCGCGCAC[A>T]AGCGCTACCGCCGCCTGCAGAACTGGGTCTACAACGTGCTGGAGCGGCCCCGCGGCTGGG-3'